The following is an entry in ClinVar:

NM_016734.3(PAX5):c.757A>G (p.Thr253Ala)

Gene: PAX5 (paired box 5; minus strand). Cytogenetic location: 9p13.2.
Variant type: single nucleotide variant.
Coding change: c.757A>G on transcript NM_016734.3 (MANE Select); coding-DNA position 757, A replaced by G.
Protein change: p.Thr253Ala; replaces threonine 253 with alanine.
Molecular consequence: missense variant. On other transcripts: non-coding transcript variant (2).
Genome position (GRCh38, 1-based): chr9:36,966,572, T>C on the plus strand (A>G on the coding strand, the complement: PAX5 is on the minus strand). VCF-style: chr9-36966572-T-C. GRCh37 (hg19) VCF-style: chr9-36966569-T-C.
Other names: c.757A>G, p.Thr253Ala (NM_001280547.2, NM_001280548.2, NM_001280549.2 and 2 more transcripts); c.433A>G, p.Thr145Ala (NM_001280551.2, NM_001280556.2); c.628A>G, p.Thr210Ala (NM_001280553.2, NM_001280554.2); c.559A>G, p.Thr187Ala (NM_001280555.2); short protein forms T145A, T210A, T187A, T253A.
Identifiers: ClinVar variation 4131436 (VCV004131436.1).

ClinVar aggregate classification (germline): Uncertain significance (1 of 4 stars; one submission).

Conditions:
Inborn genetic diseases. Identifiers: MedGen C0950123, MeSH D030342.

gnomAD v4.1: 1 of 1,614,028 alleles (0.000062%); highest among the groups gnomAD compares: Non-Finnish European, 0.000085%; no homozygotes.

Submission:

Ambry Genetics
Classification: Uncertain significance for Inborn genetic diseases. Last evaluated: 2025-08-30. Review status: criteria provided, single submitter. Criteria: Ambry Variant Classification Scheme 2023. Collection method: clinical testing. Allele origin: germline.
Comment: The p.T253A variant (also known as c.757A>G), located in coding exon 6 of the PAX5 gene, results from an A to G substitution at nucleotide position 757. The threonine at codon 253 is replaced by alanine, an amino acid with similar properties. This amino acid position is conserved. In addition, the in silico prediction for this alteration is inconclusive. Based on the available evidence, the clinical significance of this variant remains unclear.